The following is an entry in ClinVar:

NM_017514.5(PLXNA3):c.1656G>A (p.Thr552=)

Gene: PLXNA3 (plexin A3; plus strand). Cytogenetic location: Xq28.
Variant type: single nucleotide variant.
Coding change: c.1656G>A on transcript NM_017514.5 (MANE Select); coding-DNA position 1656, G replaced by A.
Protein change: p.Thr552=; no amino-acid change (threonine 552 retained).
Molecular consequence: synonymous variant.
Genome position (GRCh38, 1-based): chrX:154,464,059, G>A. VCF-style: chrX-154464059-G-A. GRCh37 (hg19) VCF-style: chrX-153692402-G-A.
Identifiers: ClinVar variation 3051017 (VCV003051017.2), dbSNP rs149300616, ClinGen allele CA10564117.

ClinVar aggregate classification (germline): Likely benign (0 of 4 stars; one submission).

Conditions:
PLXNA3-related disorder. Also called: PLXNA3-related condition.

Allele frequency attached by ClinVar (database versions not stated): gnomAD exomes 0.00005; gnomAD 0.00014; ExAC 0.00015; TOPMed 0.00020; ESP Exome Variant Server 0.00028.
gnomAD v4.1: 68 of 1,209,732 alleles (0.0056%); highest among the groups gnomAD compares: African/African-American, 0.03%; no homozygotes.

Submission:

PreventionGenetics, part of Exact Sciences
Classification: Likely benign for PLXNA3-related condition. Last evaluated: 2022-04-04. Review status: no assertion criteria provided. Collection method: clinical testing. Allele origin: germline.
Comment: This variant is classified as likely benign based on ACMG/AMP sequence variant interpretation guidelines (Richards et al. 2015 PMID: 25741868, with internal and published modifications).